The following is an entry in ClinVar:

NM_001367561.1(DOCK7):c.171A>C (p.Pro57=)

Gene: DOCK7 (dedicator of cytokinesis 7; minus strand). Cytogenetic location: 1p31.3.
Variant type: single nucleotide variant.
Coding change: c.171A>C on transcript NM_001367561.1 (MANE Select); coding-DNA position 171, A replaced by C.
Protein change: p.Pro57=; no amino-acid change (proline 57 retained).
Molecular consequence: synonymous variant.
Genome position (GRCh38, 1-based): chr1:62,654,133, T>G on the plus strand (A>C on the coding strand, the complement: DOCK7 is on the minus strand). VCF-style: chr1-62654133-T-G. GRCh37 (hg19) VCF-style: chr1-63119804-T-G.
Other names: c.171A>C, p.Pro57= (NM_001271999.2, NM_001272000.2, NM_001272001.2 and 3 more transcripts).
Identifiers: ClinVar variation 2053608 (VCV002053608.31), dbSNP rs761362083, ClinGen allele CA887249.

ClinVar aggregate classification (germline): Likely benign. Review status: criteria provided, multiple submitters, no conflicts (2 of 4 stars). 3 submissions from 3 submitters: Likely benign (3). Last evaluated 2025-03-25.

Conditions:
Developmental and epileptic encephalopathy, 23 (DEE23). Also called: Epileptic encephalopathy, early infantile, 23. Identifiers: Orphanet 411986, MedGen C4014492, MONDO:0014371, OMIM 615859.

Allele frequency attached by ClinVar (database versions not stated): ExAC 0.00001; gnomAD 0.00001; TOPMed 0.00001; gnomAD exomes 0.00002.
gnomAD v4.1: 34 of 1,613,490 alleles (0.0021%); highest among the groups gnomAD compares: Non-Finnish European, 0.0029%; no homozygotes.

Submissions (3):

Labcorp Genetics (formerly Invitae), Labcorp
Classification: Likely benign for Developmental and epileptic encephalopathy, 23. Last evaluated: 2025-03-25. Review status: criteria provided, single submitter. Criteria: Invitae Variant Classification Sherloc (09022015). Collection method: clinical testing. Allele origin: germline.

CeGaT Center for Human Genetics Tuebingen
Classification: Likely benign. Last evaluated: 2023-05-01. Review status: criteria provided, single submitter. Criteria: CeGaT Center For Human Genetics Tuebingen Variant Classification Criteria Version 2. Collection method: clinical testing. Allele origin: germline. Affected: yes. Observed: 1 variant allele.
Comment: DOCK7: BP4, BP7

Genome-Nilou Lab
Classification: Likely benign for Developmental and epileptic encephalopathy, 23. Last evaluated: 2023-04-11. Review status: criteria provided, single submitter. Criteria: ACMG Guidelines, 2015. Collection method: clinical testing. Allele origin: germline. Affected: no.